The following is an entry in ClinVar:

NM_000704.3(ATP4A):c.1292C>A (p.Ala431Glu)

Gene: ATP4A (ATPase H+/K+ transporting subunit alpha; minus strand). Cytogenetic location: 19q13.12.
Variant type: single nucleotide variant.
Coding change: c.1292C>A on transcript NM_000704.3 (MANE Select); coding-DNA position 1292, C replaced by A.
Protein change: p.Ala431Glu; replaces alanine 431 with glutamic acid.
Molecular consequence: missense variant.
Genome position (GRCh38, 1-based): chr19:35,558,650, G>T on the plus strand (C>A on the coding strand, the complement: ATP4A is on the minus strand). VCF-style: chr19-35558650-G-T. GRCh37 (hg19) VCF-style: chr19-36049552-G-T.
Other names: short protein forms A431E.
Identifiers: ClinVar variation 3703111 (VCV003703111.2).

ClinVar aggregate classification (germline): Uncertain significance (1 of 4 stars; one submission).

gnomAD v4.1: 34 of 1,585,920 alleles (0.0021%); highest among the groups gnomAD compares: Non-Finnish European, 0.0029%; no homozygotes.

Submission:

Labcorp Genetics (formerly Invitae), Labcorp
Classification: Uncertain significance. Last evaluated: 2024-06-23. Review status: criteria provided, single submitter. Criteria: Invitae Variant Classification Sherloc (09022015). Collection method: clinical testing. Allele origin: germline.
Comment: This sequence change replaces alanine, which is neutral and non-polar, with glutamic acid, which is acidic and polar, at codon 431 of the ATP4A protein (p.Ala431Glu). The frequency data for this variant in the population databases is considered unreliable, as metrics indicate poor data quality at this position in the gnomAD database. This variant has not been reported in the literature in individuals affected with ATP4A-related conditions. Advanced modeling of protein sequence and biophysical properties (such as structural, functional, and spatial information, amino acid conservation, physicochemical variation, residue mobility, and thermodynamic stability) performed at Invitae indicates that this missense variant is not expected to disrupt ATP4A protein function with a negative predictive value of 80%. In summary, the available evidence is currently insufficient to determine the role of this variant in disease. Therefore, it has been classified as a Variant of Uncertain Significance.